The following is an entry in ClinVar:

NM_001376.5(DYNC1H1):c.10607T>C (p.Leu3536Pro)

Gene: DYNC1H1 (dynein cytoplasmic 1 heavy chain 1; plus strand). Cytogenetic location: 14q32.31.
Variant type: single nucleotide variant.
Coding change: c.10607T>C on transcript NM_001376.5 (MANE Select); coding-DNA position 10607, T replaced by C.
Protein change: p.Leu3536Pro; replaces leucine 3536 with proline.
Molecular consequence: missense variant.
Genome position (GRCh38, 1-based): chr14:102,034,169, T>C. VCF-style: chr14-102034169-T-C. GRCh37 (hg19) VCF-style: chr14-102500506-T-C.
Other names: short protein forms L3536P.
Identifiers: ClinVar variation 3365795 (VCV003365795.1).

ClinVar aggregate classification (germline): Uncertain significance (1 of 4 stars; one submission).

Submission:

GeneDx
Classification: Uncertain significance. Last evaluated: 2023-12-18. Review status: criteria provided, single submitter. Criteria: GeneDx Variant Classification Process June 2021. Collection method: clinical testing. Allele origin: germline. Affected: yes.
Comment: Not observed at significant frequency in large population cohorts (gnomAD); In silico analysis supports that this missense variant has a deleterious effect on protein structure/function; Has not been previously published as pathogenic or benign to our knowledge; This variant is associated with the following publications: (PMID: 25512093, 25609763, 26100331)